The following is an entry in ClinVar:

ClinVar aggregate classification (germline): Conflicting classifications of pathogenicity. Review status: criteria provided, conflicting classifications (1 of 4 stars). 2 submissions from 2 submitters: Uncertain significance (1); Likely benign (1). Last evaluated 2024-05-15.

Allele frequency attached by ClinVar (database versions not stated): gnomAD exomes 0.00004; TOPMed 0.00006; ExAC 0.00008; ESP Exome Variant Server 0.00008; gnomAD 0.00011.
gnomAD v4.1: 78 of 1,614,094 alleles (0.0048%); highest among the groups gnomAD compares: Middle Eastern, 0.033%; no homozygotes.

Submissions (2):

Labcorp Genetics (formerly Invitae), Labcorp
Classification: Uncertain significance. Last evaluated: 2024-05-15. Review status: criteria provided, single submitter. Criteria: Invitae Variant Classification Sherloc (09022015). Collection method: clinical testing. Allele origin: germline.
Comment: This sequence change replaces valine, which is neutral and non-polar, with isoleucine, which is neutral and non-polar, at codon 3818 of the FAT2 protein (p.Val3818Ile). This variant is present in population databases (rs148641194, gnomAD 0.02%). This variant has not been reported in the literature in individuals affected with FAT2-related conditions. ClinVar contains an entry for this variant (Variation ID: 2185845). Algorithms developed to predict the effect of missense changes on protein structure and function output the following: SIFT: "Not Available"; PolyPhen-2: "Benign"; Align-GVGD: "Not Available". The isoleucine amino acid residue is found in multiple mammalian species, which suggests that this missense change does not adversely affect protein function. In summary, the available evidence is currently insufficient to determine the role of this variant in disease. Therefore, it has been classified as a Variant of Uncertain Significance.

Ambry Genetics
Classification: Likely benign. Last evaluated: 2021-12-20. Review status: criteria provided, single submitter. Criteria: Ambry Variant Classification Scheme 2023. Collection method: clinical testing. Allele origin: germline.

NM_001447.3(FAT2):c.11452G>A (p.Val3818Ile)

Genes: FAT2 (FAT atypical cadherin 2; minus strand), SLC36A1 (solute carrier family 36 member 1; plus strand). Cytogenetic location: 5q33.1.
Variant type: single nucleotide variant.
Coding change: c.11452G>A on transcript NM_001447.3 (MANE Select); coding-DNA position 11452, G replaced by A.
Protein change: p.Val3818Ile; replaces valine 3818 with isoleucine.
Molecular consequence: missense variant.
Genome position (GRCh38, 1-based): chr5:151,517,631, C>T on the plus strand (G>A on the coding strand, the complement: FAT2 is on the minus strand). VCF-style: chr5-151517631-C-T. GRCh37 (hg19) VCF-style: chr5-150897192-C-T.
Other names: c.11452G>A (NM_001447.2); short protein forms V3818I.
Identifiers: ClinVar variation 2185845 (VCV002185845.5), dbSNP rs148641194, ClinGen allele CA3520006.